The following is an entry in ClinVar:

ClinVar aggregate classification (germline): Uncertain significance. Review status: criteria provided, multiple submitters, no conflicts (2 of 4 stars). 2 submissions from 2 submitters: Uncertain significance (2). Last evaluated 2025-06-14.

Conditions:
Pseudohypoaldosteronism type 2C (PHA2C). Also called: Pseudohypoaldosteronism Type IIC. Identifiers: Orphanet 757, Orphanet 88940, MedGen C1840391, MONDO:0013778, OMIM 614492.
Neuropathy, hereditary sensory and autonomic, type 2A (HSAN2A). Also called: ACROOSTEOLYSIS, GIACCAI TYPE; ACROOSTEOLYSIS, NEUROGENIC; MORVAN DISEASE; NEUROPATHY, CONGENITAL SENSORY; NEUROPATHY, HEREDITARY SENSORY RADICULAR, AUTOSOMAL RECESSIVE; NEUROPATHY, HEREDITARY SENSORY, TYPE IIA. Identifiers: Orphanet 970, MedGen C2752089, MONDO:0024309, OMIM 201300.
Inborn genetic diseases. Identifiers: MedGen C0950123, MeSH D030342.

Allele frequency attached by ClinVar (database versions not stated): gnomAD exomes below 0.00001; ExAC 0.00001; TOPMed 0.00002.
gnomAD v4.1: 6 of 1,611,254 alleles (0.00037%); highest among the groups gnomAD compares: South Asian, 0.0011%; no homozygotes.

Submissions (2):

Labcorp Genetics (formerly Invitae), Labcorp
Classification: Uncertain significance for Neuropathy, hereditary sensory and autonomic, type 2A; Pseudohypoaldosteronism type 2C. Last evaluated: 2025-06-14. Review status: criteria provided, single submitter. Criteria: Invitae Variant Classification Sherloc (09022015). Collection method: clinical testing. Allele origin: germline.
Comment: This sequence change replaces tyrosine, which is neutral and polar, with cysteine, which is neutral and slightly polar, at codon 916 of the WNK1 protein (p.Tyr916Cys). This variant is present in population databases (rs749154375, gnomAD 0.0009%). This variant has not been reported in the literature in individuals affected with WNK1-related conditions. ClinVar contains an entry for this variant (Variation ID: 1004928). Invitae Evidence Modeling of protein sequence and biophysical properties (such as structural, functional, and spatial information, amino acid conservation, physicochemical variation, residue mobility, and thermodynamic stability) indicates that this missense variant is not expected to disrupt WNK1 protein function with a negative predictive value of 95%. In summary, the available evidence is currently insufficient to determine the role of this variant in disease. Therefore, it has been classified as a Variant of Uncertain Significance.

Ambry Genetics
Classification: Uncertain significance for Inborn genetic diseases. Last evaluated: 2021-04-19. Review status: criteria provided, single submitter. Criteria: Ambry Variant Classification Scheme 2023. Collection method: clinical testing. Allele origin: germline.
Comment: The p.Y916C variant (also known as c.2747A>G), located in coding exon 10 of the WNK1 gene, results from an A to G substitution at nucleotide position 2747. The tyrosine at codon 916 is replaced by cysteine, an amino acid with highly dissimilar properties. This amino acid position is not well conserved in available vertebrate species. In addition, this alteration is predicted to be tolerated by in silico analysis. Since supporting evidence is limited at this time, the clinical significance of this alteration remains unclear.

NM_213655.5(WNK1):c.2747A>G (p.Tyr916Cys)

Gene: WNK1 (WNK lysine deficient protein kinase 1; plus strand). Cytogenetic location: 12p13.33.
Variant type: single nucleotide variant.
Coding change: c.2747A>G on transcript NM_213655.5 (MANE Plus Clinical); coding-DNA position 2747, A replaced by G.
Protein change: p.Tyr916Cys; replaces tyrosine 916 with cysteine.
Molecular consequence: missense variant. On other transcripts: intron variant (2).
Genome position (GRCh38, 1-based): chr12:868,218, A>G. VCF-style: chr12-868218-A-G. GRCh37 (hg19) VCF-style: chr12-977384-A-G.
Other names: c.2492A>G, p.Tyr831Cys (NM_001184985.2); c.2140-3047A>G (NM_018979.4, NM_014823.3); short protein forms Y831C, Y916C.
Identifiers: ClinVar variation 1004928 (VCV001004928.10), dbSNP rs749154375, ClinGen allele CA6382232.
Genomic context (GRCh38, chr12:868,218, plus strand): 5'-GAGAGTCATGTGAGATACAGGTCCATCCTATGTTTGAACCATCTCAAGTTTACAGTGACT[A>G]TAGACCTGGACTAGTACTTCCAGAAGAAGCTCACTATTTTATTCCTCAGGAAGCAGTGTA-3'
Protein context (NP_998820.3, residues 906-926): MFEPSQVYSD[Tyr916Cys]RPGLVLPEEA